The following is an entry in ClinVar:

ClinVar aggregate classification (germline): Uncertain significance. Review status: criteria provided, multiple submitters, no conflicts (2 of 4 stars). 4 submissions from 4 submitters: Uncertain significance (4). Last evaluated 2024-05-24.

Conditions:
Schwartz-Jampel syndrome type 1 (SJS1). Also called: MYOTONIC MYOPATHY, DWARFISM, CHONDRODYSTROPHY, AND OCULAR AND FACIAL ABNORMALITIES; CHONDRODYSTROPHIC MYOTONIA. Identifiers: MedGen C4551479, MONDO:0100435, OMIM 255800.
Inborn genetic diseases. Identifiers: MedGen C0950123, MeSH D030342.

Allele frequency attached by ClinVar (database versions not stated): ExAC 0.00005; gnomAD exomes 0.00006; ESP Exome Variant Server 0.00023.
gnomAD v4.1: 63 of 1,614,020 alleles (0.0039%); highest among the groups gnomAD compares: African/African-American, 0.052%; no homozygotes.

Submissions (4):

Ambry Genetics
Classification: Uncertain significance for Inborn genetic diseases. Last evaluated: 2024-05-24. Review status: criteria provided, single submitter. Criteria: Ambry Variant Classification Scheme 2023. Collection method: clinical testing. Allele origin: germline.

Labcorp Genetics (formerly Invitae), Labcorp
Classification: Uncertain significance. Last evaluated: 2022-08-09. Review status: criteria provided, single submitter. Criteria: Invitae Variant Classification Sherloc (09022015). Collection method: clinical testing. Allele origin: germline.
Comment: This sequence change replaces valine, which is neutral and non-polar, with methionine, which is neutral and non-polar, at codon 3729 of the HSPG2 protein (p.Val3729Met). This variant is present in population databases (rs142598196, gnomAD 0.04%). This variant has not been reported in the literature in individuals affected with HSPG2-related conditions. ClinVar contains an entry for this variant (Variation ID: 1497738). Algorithms developed to predict the effect of missense changes on protein structure and function are either unavailable or do not agree on the potential impact of this missense change (SIFT: "Tolerated"; PolyPhen-2: "Probably Damaging"; Align-GVGD: "Class C0"). In summary, the available evidence is currently insufficient to determine the role of this variant in disease. Therefore, it has been classified as a Variant of Uncertain Significance.

Revvity Omics, Revvity
Classification: Uncertain significance. Last evaluated: 2020-04-09. Review status: criteria provided, single submitter. Criteria: ACMG Guidelines, 2015. Collection method: clinical testing. Allele origin: germline.

Institute of Human Genetics, University Hospital of Duesseldorf
Classification: Uncertain significance for Schwartz-Jampel syndrome type 1. Review status: criteria provided, single submitter. Criteria: ACMG Guidelines, 2015. Collection method: not provided. Allele origin: germline. Inheritance: Autosomal recessive inheritance. Affected: yes.

NM_005529.7(HSPG2):c.11185G>A (p.Val3729Met)

Gene: HSPG2 (heparan sulfate proteoglycan 2; minus strand). Cytogenetic location: 1p36.12.
Variant type: single nucleotide variant.
Coding change: c.11185G>A on transcript NM_005529.7 (MANE Select); coding-DNA position 11185, G replaced by A.
Protein change: p.Val3729Met; replaces valine 3729 with methionine.
Molecular consequence: missense variant.
Genome position (GRCh38, 1-based): chr1:21,832,517, C>T on the plus strand (G>A on the coding strand, the complement: HSPG2 is on the minus strand). VCF-style: chr1-21832517-C-T. GRCh37 (hg19) VCF-style: chr1-22159010-C-T.
Other names: c.11185G>A (NM_005529.5); c.11188G>A, p.Val3730Met (NM_001291860.2); short protein forms V3730M, V3729M.
Identifiers: ClinVar variation 1497738 (VCV001497738.10), dbSNP rs142598196, ClinGen allele CA669895.
Genomic context (GRCh38, chr1:21,832,517, plus strand): 5'-TCCAGTCCCCCTGTAGGTGGGGAGGCTGGGGGTCTCACCGGAACTCGGGCCTTCCCCCCA[C>T]GAGGCCGAAGGAGATGAAGTCGGGCTGCCGGTTGGCCAGGTTGGTGGGGCTCCCTGGGAC-3'
Protein context (NP_005520.4, residues 3719-3739): RQPDFISFGL[Val3729Met]GGRPEFRFDA